The following is an entry in ClinVar:

NM_174936.4(PCSK9):c.1192A>G (p.Met398Val)

Gene: PCSK9 (proprotein convertase subtilisin/kexin type 9; plus strand). Cytogenetic location: 1p32.3.
Variant type: single nucleotide variant.
Coding change: c.1192A>G on transcript NM_174936.4 (MANE Select); coding-DNA position 1192, A replaced by G.
Protein change: p.Met398Val; replaces methionine 398 with valine.
Molecular consequence: missense variant.
Genome position (GRCh38, 1-based): chr1:55,058,047, A>G. VCF-style: chr1-55058047-A-G. GRCh37 (hg19) VCF-style: chr1-55523720-A-G.
Other names: c.1315A>G, p.Met439Val (NM_001407240.1); c.1192A>G, p.Met398Val (NM_001407241.1); c.1195A>G, p.Met399Val (NM_001407242.1); c.1135A>G, p.Met379Val (NM_001407243.1); c.1000A>G, p.Met334Val (NM_001407245.1); c.817A>G, p.Met273Val (NM_001407246.1); short protein forms M398V, M334V, M439V, M273V, M379V, M399V.
Identifiers: ClinVar variation 933183 (VCV000933183.3), dbSNP rs766010409, ClinGen allele CA035788.
Genomic context (GRCh38, chr1:55,058,047, plus strand): 5'-GCAGGAGGGCCGGGCCATCACCATCTTTCACCATTCACCCCTGCACCAGGCATTGCAGCC[A>G]TGATGCTGTCTGCCGAGCCGGAGCTCACCCTGGCCGAGTTGAGGCAGAGACTGATCCACT-3'
Protein context (NP_777596.2, residues 388-408): AAAHVAGIAA[Met398Val]MLSAEPELTL

ClinVar aggregate classification (germline): Uncertain significance. Review status: criteria provided, multiple submitters, no conflicts (2 of 4 stars). 2 submissions from 2 submitters: Uncertain significance (2). Last evaluated 2024-08-13.

Conditions:
Hypercholesterolemia, autosomal dominant, 3 (FHCL3). Also called: PCSK9-Related Familial Hypercholesterolemia, Autosomal Dominant; Familial hypercholesterolemia 3; Familial Hypercholesterolemia, Autosomal Dominant, 3. Identifiers: MedGen C1863551, MONDO:0011369, OMIM 603776.

Allele frequency attached by ClinVar (database versions not stated): gnomAD exomes below 0.00001 and 0.00001; TOPMed below 0.00001; ExAC 0.00001.
gnomAD v4.1: 1 of 1,613,764 alleles (0.000062%); highest among the groups gnomAD compares: Non-Finnish European, 0.000085%; no homozygotes.

Submissions (2):

All of Us Research Program, National Institutes of Health
Classification: Uncertain significance for Hypercholesterolemia, autosomal dominant, 3. Last evaluated: 2024-08-13. Review status: criteria provided, single submitter. Criteria: ACMG Guidelines, 2015. Collection method: clinical testing. Allele origin: germline. Inheritance: Autosomal dominant inheritance. Observed: 1 variant allele, 1 heterozygote.
Comment: This missense variant replaces methionine with valine at codon 398 of the PCSK9 protein. Computational prediction suggests that this variant may not impact protein structure and function (internally defined REVEL score threshold <= 0.5, PMID: 27666373). To our knowledge, functional studies have not been reported for this variant. This variant has not been reported in individuals affected with PCSK9-related disorders in the literature. This variant has been identified in 2/250990 chromosomes in the general population by the Genome Aggregation Database (gnomAD). The available evidence is insufficient to determine the role of this variant in disease conclusively. Therefore, this variant is classified as a Variant of Uncertain Significance.

This study involves interpretation of variants in research participants for the purpose of population health screening. Participant phenotype was not available at the time of variant classification. Additional details can be found in publication PMID: 35346344, PMCID: PMC8962531

Women's Health and Genetics/Laboratory Corporation of America, LabCorp
Classification: Uncertain significance. Last evaluated: 2020-06-29. Review status: criteria provided, single submitter. Criteria: LabCorp Variant Classification Summary - May 2015. Collection method: clinical testing. Allele origin: germline.
Comment: Variant summary: PCSK9 c.1192A>G (p.Met398Val) results in a conservative amino acid change located in the Peptidase S8/S53 domain (IPR000209) and Proteinase K-like catalytic domain (IPR034193) of the encoded protein sequence. Five of five in-silico tools predict a benign effect of the variant on protein function. The variant allele was found at a frequency of 8e-06 in 250990 control chromosomes (gnomAD). The available data on variant occurrences in the general population are insufficient to allow any conclusion about variant significance. To our knowledge, no occurrence of c.1192A>G in individuals affected with Early Onset Coronary Artery Disease and no experimental evidence demonstrating its impact on protein function have been reported. No clinical diagnostic laboratories have submitted clinical-significance assessments for this variant to ClinVar after 2014. Based on the evidence outlined above, the variant was classified as uncertain significance.